The following is an entry in ClinVar:

NM_000179.3(MSH6):c.185_199dup (p.Pro66_Pro67insArgSerAlaSerPro)

Gene: MSH6 (mutS homolog 6; plus strand). Cytogenetic location: 2p16.3.
Variant type: Duplication.
Coding change: c.185_199dup on transcript NM_000179.3 (MANE Select); coding-DNA positions 185 to 199, 15 bases duplicated (GCTCCGCGTCACCGC).
Protein change: p.Pro66_Pro67insArgSerAlaSerPro.
Molecular consequence: inframe insertion. On other transcripts: 5 prime UTR variant (7), non-coding transcript variant (5), intron variant (5), inframe indel (1).
Genome position (GRCh38, 1-based): chr2:47,783,418-47,783,432, GCTCCGCGTCACCGC duplicated; duplicating any 15 consecutive bases within chr2:47,783,415-47,783,432 gives the same sequence; the c. name uses the placement nearest the transcript's 3' end. VCF-style (leftmost placement, unchanged base first): chr2-47783414-G-GCGCGCTCCGCGTCAC. GRCh37 (hg19) VCF-style: chr2-48010553-G-GCGCGCTCCGCGTCAC.
Other names: c.185_199dup, p.Pro66_Pro67insArgSerAlaSerPro (NM_001281492.2, NM_001406795.1, NM_001406796.1 and 9 more transcripts); c.-552_-538dup (NM_001281493.2, NM_001406811.1); c.-144_-130dup (NM_001406799.1); c.130_144dup, p.Arg48_Pro49insAlaProArgHisArg (NM_001406804.1); c.-744_-730dup (NM_001406807.1); c.-399_-385dup (NM_001406812.1); c.-810_-796dup (NM_001406814.1); c.-355_-341dup (NM_001406816.1); and 4 more.
Identifiers: ClinVar variation 3230515 (VCV003230515.1), dbSNP rs2530321023, ClinGen allele CA2658965735.

ClinVar aggregate classification (germline): Uncertain significance (1 of 4 stars; one submission).

Conditions:
Hereditary cancer-predisposing syndrome. Also called: Neoplastic Syndromes, Hereditary; Tumor predisposition; Hereditary neoplastic syndrome; Hereditary Cancer Syndrome. Identifiers: Orphanet 140162, MedGen C0027672, MeSH D009386, MONDO:0015356.

Submission:

Ambry Genetics
Classification: Uncertain significance for Hereditary cancer-predisposing syndrome. Last evaluated: 2024-02-07. Review status: criteria provided, single submitter. Criteria: Ambry Variant Classification Scheme 2023. Collection method: clinical testing. Allele origin: germline.
Comment: The c.185_199dup15 variant (also known as p.R62_P66dup), located in coding exon 1 of the MSH6 gene, results from an in-frame duplication of 15 nucleotides at nucleotide positions 185 to 199. This results in the duplication of 5 extra residues (RSASP) between codons 62 and 66. This amino acid region is not well conserved in available vertebrate species. In addition, this alteration is predicted to be neutral by in silico analysis (Choi Y et al. PLoS ONE. 2012; 7(10):e46688). Based on the available evidence, the clinical significance of this alteration remains unclear.